The following is an entry in ClinVar:

NM_004380.3(CREBBP):c.6014C>G (p.Pro2005Arg)

Gene: CREBBP (CREB binding protein; minus strand). Cytogenetic location: 16p13.3.
Variant type: single nucleotide variant.
Coding change: c.6014C>G on transcript NM_004380.3 (MANE Select); coding-DNA position 6014, C replaced by G.
Protein change: p.Pro2005Arg; replaces proline 2005 with arginine.
Molecular consequence: missense variant.
Genome position (GRCh38, 1-based): chr16:3,729,033, G>C on the plus strand (C>G on the coding strand, the complement: CREBBP is on the minus strand). VCF-style: chr16-3729033-G-C. GRCh37 (hg19) VCF-style: chr16-3779034-G-C.
Other names: c.5900C>G, p.Pro1967Arg (NM_001079846.1); short protein forms P1967R, P2005R.
Identifiers: ClinVar variation 2502788 (VCV002502788.1), dbSNP rs2151306708, ClinGen allele CA394554600.

ClinVar aggregate classification (germline): Uncertain significance (1 of 4 stars; one submission).

Submission:

GeneDx
Classification: Uncertain significance. Last evaluated: 2022-11-20. Review status: criteria provided, single submitter. Criteria: GeneDx Variant Classification Process June 2021. Collection method: clinical testing. Allele origin: germline. Affected: yes.
Comment: Not observed at significant frequency in large population cohorts (gnomAD); In silico analysis supports that this missense variant has a deleterious effect on protein structure/function; Has not been previously published as pathogenic or benign to our knowledge